The following is an entry in ClinVar:

ClinVar aggregate classification (germline): Uncertain significance. Review status: criteria provided, multiple submitters, no conflicts (2 of 4 stars). 2 submissions from 2 submitters: Uncertain significance (2). Last evaluated 2026-04-02.

Conditions:
IGHMBP2-related disorder. Also called: IGHMBP2-related condition; IGHMBP2-related disorders.
Autosomal recessive distal spinal muscular atrophy 1. Also called: NEURONOPATHY, DISTAL HEREDITARY MOTOR, HARDING TYPE VI; NEUROPATHY, DISTAL HEREDITARY MOTOR, AUTOSOMAL RECESSIVE 1; HMN VI; NEURONOPATHY, SEVERE INFANTILE AXONAL, WITH RESPIRATORY FAILURE; SEVERE INFANTILE AXONAL NEUROPATHY WITH RESPIRATORY FAILURE; SPINAL MUSCULAR ATROPHY, DIAPHRAGMATIC. Identifiers: Orphanet 98920, MedGen C1858517, MONDO:0011436, OMIM 604320.
Charcot-Marie-Tooth disease axonal type 2S. Also called: CHARCOT-MARIE-TOOTH NEUROPATHY, TYPE 2S; CHARCOT-MARIE-TOOTH DISEASE, AXONAL, AUTOSOMAL RECESSIVE, TYPE 2S. Identifiers: Orphanet 443073, MedGen C4015349, MONDO:0014511, OMIM 616155.

Allele frequency attached by ClinVar (database versions not stated): ExAC below 0.00001; gnomAD exomes 0.00001; gnomAD 0.00005 and 0.00006; TOPMed 0.00010.
gnomAD v4.1: 17 of 1,564,308 alleles (0.0011%); highest among the groups gnomAD compares: Admixed American, 0.023%; no homozygotes.

Submissions (2):

PreventionGenetics, part of Exact Sciences
Classification: Uncertain significance for IGHMBP2-related condition. Last evaluated: 2026-04-02. Review status: criteria provided, single submitter. Criteria: ACMG Guidelines, 2015. Collection method: clinical testing. Allele origin: germline.
Comment: The IGHMBP2 c.7T>G variant is predicted to result in the amino acid substitution p.Ser3Ala. To our knowledge, this variant has not been reported in the literature. This variant is reported in 0.0078% of alleles in individuals of Latino descent in gnomAD. At this time, the clinical significance of this variant is uncertain due to the absence of conclusive functional and genetic evidence.

Labcorp Genetics (formerly Invitae), Labcorp
Classification: Uncertain significance for Autosomal recessive distal spinal muscular atrophy 1; Charcot-Marie-Tooth disease axonal type 2S. Last evaluated: 2022-08-31. Review status: criteria provided, single submitter. Criteria: Invitae Variant Classification Sherloc (09022015). Collection method: clinical testing. Allele origin: germline.
Comment: This sequence change replaces serine, which is neutral and polar, with alanine, which is neutral and non-polar, at codon 3 of the IGHMBP2 protein (p.Ser3Ala). This variant is present in population databases (rs751910797, gnomAD 0.008%). This variant has not been reported in the literature in individuals affected with IGHMBP2-related conditions. ClinVar contains an entry for this variant (Variation ID: 569975). Advanced modeling of protein sequence and biophysical properties (such as structural, functional, and spatial information, amino acid conservation, physicochemical variation, residue mobility, and thermodynamic stability) performed at Invitae indicates that this missense variant is not expected to disrupt IGHMBP2 protein function. In summary, the available evidence is currently insufficient to determine the role of this variant in disease. Therefore, it has been classified as a Variant of Uncertain Significance.

NM_002180.3(IGHMBP2):c.7T>G (p.Ser3Ala)

Gene: IGHMBP2 (immunoglobulin mu DNA binding protein 2; plus strand). Cytogenetic location: 11q13.3.
Variant type: single nucleotide variant.
Coding change: c.7T>G on transcript NM_002180.3 (MANE Select); coding-DNA position 7, T replaced by G.
Protein change: p.Ser3Ala; replaces serine 3 with alanine.
Molecular consequence: missense variant.
Genome position (GRCh38, 1-based): chr11:68,903,959, T>G. VCF-style: chr11-68903959-T-G. GRCh37 (hg19) VCF-style: chr11-68671427-T-G.
Other names: short protein forms S3A.
Identifiers: ClinVar variation 569975 (VCV000569975.5), dbSNP rs751910797, ClinGen allele CA6153160.